The following is an entry in ClinVar:

ClinVar aggregate classification (germline): Uncertain significance (1 of 4 stars; one submission).

Conditions:
Cardiovascular phenotype. Identifiers: MedGen CN230736.

Submission:

Ambry Genetics
Classification: Uncertain significance for Cardiovascular phenotype. Last evaluated: 2023-12-16. Review status: criteria provided, single submitter. Criteria: Ambry Variant Classification Scheme 2023. Collection method: clinical testing. Allele origin: germline.
Comment: The p.N270D variant (also known as c.808A>G), located in coding exon 6 of the LMF1 gene, results from an A to G substitution at nucleotide position 808. The asparagine at codon 270 is replaced by aspartic acid, an amino acid with highly similar properties. This amino acid position is conserved. In addition, this alteration is predicted to be tolerated by in silico analysis. Since supporting evidence is limited at this time, the clinical significance of this alteration remains unclear.

NM_022773.4(LMF1):c.808A>G (p.Asn270Asp)

Gene: LMF1 (lipase maturation factor 1; minus strand). Cytogenetic location: 16p13.3.
Variant type: single nucleotide variant.
Coding change: c.808A>G on transcript NM_022773.4 (MANE Select); coding-DNA position 808, A replaced by G.
Protein change: p.Asn270Asp; replaces asparagine 270 with aspartic acid.
Molecular consequence: missense variant. On other transcripts: non-coding transcript variant (1).
Genome position (GRCh38, 1-based): chr16:879,659, T>C on the plus strand (A>G on the coding strand, the complement: LMF1 is on the minus strand). VCF-style: chr16-879659-T-C. GRCh37 (hg19) VCF-style: chr16-929659-T-C.
Other names: c.157A>G, p.Asn53Asp (NM_001352017.2, NM_001352021.2); c.409A>G, p.Asn137Asp (NM_001352018.2); c.481A>G, p.Asn161Asp (NM_001352019.2); c.808A>G, p.Asn270Asp (NM_001352020.1); short protein forms N137D, N161D, N270D, N53D.
Identifiers: ClinVar variation 3227816 (VCV003227816.1), dbSNP rs2544527707, ClinGen allele CA394131714.